The following is an entry in ClinVar:

ClinVar aggregate classification (germline): Uncertain significance. Review status: criteria provided, multiple submitters, no conflicts (2 of 4 stars). 2 submissions from 2 submitters: Uncertain significance (2). Last evaluated 2025-06-02.

Conditions:
ALPI-related disorder. Also called: ALPI-related condition.

gnomAD v4.1: 57 of 1,613,764 alleles (0.0035%); highest among the groups gnomAD compares: Middle Eastern, 0.12%; no homozygotes.

Submissions (2):

PreventionGenetics, part of Exact Sciences
Classification: Uncertain significance for ALPI-related condition. Last evaluated: 2025-06-02. Review status: criteria provided, single submitter. Criteria: ACMG Guidelines, 2015. Collection method: clinical testing. Allele origin: germline.
Comment: The ALPI c.371C>G variant is predicted to result in the amino acid substitution p.Ala124Gly. To our knowledge, this variant has not been reported in the literature. This variant is reported in 0.0044% of alleles in individuals of European (Non-Finnish) descent in gnomAD. At this time, the clinical significance of this variant is uncertain due to the absence of conclusive functional and genetic evidence.

Ambry Genetics
Classification: Uncertain significance. Last evaluated: 2024-07-22. Review status: criteria provided, single submitter. Criteria: Ambry Variant Classification Scheme 2023. Collection method: clinical testing. Allele origin: germline.

NM_001631.5(ALPI):c.371C>G (p.Ala124Gly)

Gene: ALPI (alkaline phosphatase, intestinal; plus strand). Cytogenetic location: 2q37.1.
Variant type: single nucleotide variant.
Coding change: c.371C>G on transcript NM_001631.5 (MANE Select); coding-DNA position 371, C replaced by G.
Protein change: p.Ala124Gly; replaces alanine 124 with glycine.
Molecular consequence: missense variant.
Genome position (GRCh38, 1-based): chr2:232,456,969, C>G. VCF-style: chr2-232456969-C-G. GRCh37 (hg19) VCF-style: chr2-233321679-C-G.
Other names: c.371C>G (NM_001631.4); short protein forms A124G.
Identifiers: ClinVar variation 3528384 (VCV003528384.2).